The following is an entry in ClinVar:

ClinVar aggregate classification (germline): Benign/Likely benign. Review status: criteria provided, multiple submitters, no conflicts (2 of 4 stars). 7 submissions from 7 submitters: Benign (2); Likely benign (3). 2 of the submissions do not count toward it. Last evaluated 2026-03-01.

Conditions:
KMT2C-related disorder. Also called: KMT2C-related condition; KMT2C-related disorders.

Allele frequency attached by ClinVar (database versions not stated): gnomAD exomes 0.00016 and 0.00049; ExAC 0.00058; gnomAD 0.00188 and 0.00208; ESP Exome Variant Server 0.00192; 1000 Genomes Project 30x 0.00250; TOPMed 0.00210; 1000 Genomes Project 0.00220.
gnomAD v4.1: 540 of 1,614,162 alleles (0.033%); highest among the groups gnomAD compares: African/African-American, 0.64%; 1 homozygote.

Submissions (7):

CeGaT Center for Human Genetics Tuebingen
Classification: Likely benign. Last evaluated: 2026-03-01. Review status: criteria provided, single submitter. Criteria: CeGaT Center For Human Genetics Tuebingen Variant Classification Criteria Version 2. Collection method: clinical testing. Allele origin: germline. Affected: yes. Observed: 3 variant alleles.
Comment: KMT2C: BP4, BS1

Women's Health and Genetics/Laboratory Corporation of America, LabCorp
Classification: Likely benign. Last evaluated: 2025-12-23. Review status: criteria provided, single submitter. Criteria: LabCorp Variant Classification Summary - May 2015. Collection method: clinical testing. Allele origin: germline.
Comment: Variant summary: KMT2C c.6073T>A (p.Ser2025Thr) results in a conservative amino acid change in the encoded protein sequence. Algorithms developed to predict the effect of missense changes on protein structure and function all suggest that this variant is likely to be tolerated. The variant allele was found at a frequency of 0.00049 in 251364 control chromosomes, predominantly at a frequency of 0.0067 within the African or African-American subpopulation in the gnomAD database, including 1 homozygote. The observed variant frequency within African or African-American control individuals in the gnomAD database exceeds the estimated maximal expected allele frequency for disease-causing variants in KMT2C. To our knowledge, no occurrence of c.6073T>A in individuals affected with KMT2C-related conditions and no experimental evidence demonstrating its impact on protein function have been reported. ClinVar contains an entry for this variant (Variation ID: 134766). Based on the evidence outlined above, the variant was classified as likely benign.

Labcorp Genetics (formerly Invitae), Labcorp
Classification: Benign. Last evaluated: 2025-11-27. Review status: criteria provided, single submitter. Criteria: Invitae Variant Classification Sherloc (09022015). Collection method: clinical testing. Allele origin: germline.

Blueprint Genetics
Classification: Likely benign. Last evaluated: 2024-08-12. Review status: criteria provided, single submitter. Criteria: ACMG Guidelines, 2015. Collection method: clinical testing. Allele origin: germline.

Breakthrough Genomics
Classification: Benign. Review status: criteria provided, single submitter. Criteria: ACMG Guidelines, 2015. Collection method: not provided. Allele origin: germline. Inheritance: Autosomal dominant inheritance. Affected: yes.

PreventionGenetics, part of Exact Sciences
Classification: Likely benign for KMT2C-related condition. Last evaluated: 2024-02-12. Review status: no assertion criteria provided. Collection method: clinical testing. Allele origin: germline. Not counted in ClinVar's aggregate classification.
Comment: This variant is classified as likely benign based on ACMG/AMP sequence variant interpretation guidelines (Richards et al. 2015 PMID: 25741868, with internal and published modifications).

ITMI
No classification provided. Condition: AllHighlyPenetrant. Last evaluated: 2013-09-19. Review status: no classification provided. Collection method: reference population. Allele origin: germline. Not counted in ClinVar's aggregate classification.
Comment: Please see associated publication for description of ethnicities

Literature cited by the submitters: PubMed 24728327 (cited by ITMI).

NM_170606.3(KMT2C):c.6073T>A (p.Ser2025Thr)

Gene: KMT2C (lysine methyltransferase 2C; minus strand). Cytogenetic location: 7q36.1.
Variant type: single nucleotide variant.
Coding change: c.6073T>A on transcript NM_170606.3 (MANE Select); coding-DNA position 6073, T replaced by A.
Protein change: p.Ser2025Thr; replaces serine 2025 with threonine.
Molecular consequence: missense variant.
Genome position (GRCh38, 1-based): chr7:152,181,787, A>T on the plus strand (T>A on the coding strand, the complement: KMT2C is on the minus strand). VCF-style: chr7-152181787-A-T. GRCh37 (hg19) VCF-style: chr7-151878872-A-T.
Other names: c.6073T>A (NM_170606.2); short protein forms S2025T.
Identifiers: ClinVar variation 134766 (VCV000134766.35), dbSNP rs141338021, ClinGen allele CA160703.